The following is an entry in ClinVar:

ClinVar aggregate classification (germline): Uncertain significance (1 of 4 stars; one submission).

Submission:

Labcorp Genetics (formerly Invitae), Labcorp
Classification: Uncertain significance. Last evaluated: 2023-08-17. Review status: criteria provided, single submitter. Criteria: Invitae Variant Classification Sherloc (09022015). Collection method: clinical testing. Allele origin: germline.
Comment: In summary, the available evidence is currently insufficient to determine the role of this variant in disease. Therefore, it has been classified as a Variant of Uncertain Significance. Advanced modeling of protein sequence and biophysical properties (such as structural, functional, and spatial information, amino acid conservation, physicochemical variation, residue mobility, and thermodynamic stability) performed at Invitae indicates that this missense variant is not expected to disrupt POLE protein function. ClinVar contains an entry for this variant (Variation ID: 998991). This variant has not been reported in the literature in individuals affected with POLE-related conditions. This variant is not present in population databases (gnomAD no frequency). This sequence change replaces leucine, which is neutral and non-polar, with phenylalanine, which is neutral and non-polar, at codon 191 of the POLE protein (p.Leu191Phe).

NM_006231.4(POLE):c.571C>T (p.Leu191Phe)

Gene: POLE (DNA polymerase epsilon, catalytic subunit; minus strand). Cytogenetic location: 12q24.33.
Variant type: single nucleotide variant.
Coding change: c.571C>T on transcript NM_006231.4 (MANE Select); coding-DNA position 571, C replaced by T.
Protein change: p.Leu191Phe; replaces leucine 191 with phenylalanine.
Molecular consequence: missense variant.
Genome position (GRCh38, 1-based): chr12:132,679,504, G>A on the plus strand (C>T on the coding strand, the complement: POLE is on the minus strand). VCF-style: chr12-132679504-G-A. GRCh37 (hg19) VCF-style: chr12-133256090-G-A.
Other names: short protein forms L191F.
Identifiers: ClinVar variation 998991 (VCV000998991.8), dbSNP rs2043121683, ClinGen allele CA387366627.